The following is an entry in ClinVar:

NM_004360.5(CDH1):c.1036C>T (p.Gln346Ter)

Gene: CDH1 (cadherin 1; plus strand). Cytogenetic location: 16q22.1.
Variant type: single nucleotide variant.
Coding change: c.1036C>T on transcript NM_004360.5 (MANE Select); coding-DNA position 1036, C replaced by T.
Protein change: p.Gln346Ter; replaces glutamine 346 with a stop codon.
Molecular consequence: nonsense. On other transcripts: 5 prime UTR variant (2).
Genome position (GRCh38, 1-based): chr16:68,812,162, C>T. VCF-style: chr16-68812162-C-T. GRCh37 (hg19) VCF-style: chr16-68846065-C-T.
Other names: c.1036C>T (NM_004360.4, NM_004360.3); c.1036C>T, p.Gln346Ter (NM_001317184.2); c.-580C>T (NM_001317185.2); c.-784C>T (NM_001317186.2); short protein forms Q346*.
Identifiers: ClinVar variation 988388 (VCV000988388.3), dbSNP rs878854676, ClinGen allele CA396459966.
Genomic context (GRCh38, chr16:68,812,162, plus strand): 5'-GGTCCTGACTTGGTTGTGTCGATCTCTCTGCAGAGTTTCCCTACGTATACCCTGGTGGTT[C>T]AAGCTGCTGACCTTCAAGGTGAGGGGTTAAGCACAACAGCAACAGCTGTGATCACAGTCA-3'

ClinVar aggregate classification (germline): Pathogenic. Review status: criteria provided, multiple submitters, no conflicts (2 of 4 stars). 3 submissions from 3 submitters: Pathogenic (3). Last evaluated 2024-04-16.

Conditions:
Hereditary cancer-predisposing syndrome. Also called: Tumor predisposition; Hereditary neoplastic syndrome; Neoplastic Syndromes, Hereditary; Hereditary Cancer Syndrome. Identifiers: Orphanet 140162, MedGen C0027672, MeSH D009386, MONDO:0015356.
Hereditary diffuse gastric adenocarcinoma (HDGC). Also called: DIFFUSE GASTRIC AND LOBULAR BREAST CANCER SYNDROME. Identifiers: Orphanet 26106, MedGen C1708349, MONDO:0007648, OMIM 137215.

Submissions (3):

Ambry Genetics
Classification: Pathogenic for Hereditary cancer-predisposing syndrome. Last evaluated: 2024-04-16. Review status: criteria provided, single submitter. Criteria: Ambry Variant Classification Scheme 2023. Collection method: clinical testing. Allele origin: germline.
Comment: The p.Q346* pathogenic mutation (also known as c.1036C>T), located in coding exon 8 of the CDH1 gene, results from a C to T substitution at nucleotide position 1036. This changes the amino acid from a glutamine to a stop codon within coding exon 8. This variant was reported in an individual with features consistent with CDH1-related diffuse gastric and lobular breast cancer (DGLBC) (Garcia-Pelaez J et al. Lancet Oncol, 2023 Jan;24:91-106). This variant is considered to be rare based on population cohorts in the Genome Aggregation Database (gnomAD). In addition to the clinical data presented in the literature, this alteration is expected to result in loss of function by premature protein truncation or nonsense-mediated mRNA decay. As such, this alteration is interpreted as a disease-causing mutation.

European Reference Network on Genetic Tumour Risk Syndromes (ERN-GENTURIS), i3s - Instituto de Investigação e Inovação em Saúde, University of Porto
Classification: Pathogenic for Hereditary diffuse gastric adenocarcinoma. Last evaluated: 2022-08-01. Review status: criteria provided, single submitter. Criteria: Lee et al. (Hum Mutat. 2018). Collection method: clinical testing. Allele origin: germline. Inheritance: Autosomal dominant inheritance. Affected: yes. Study: ERN GENTURIS.
Comment: PVS1; PS4_Supporting; PM2 (PMID: 30311375)

Clinical Genetics and Genomics, Karolinska University Hospital
Classification: Pathogenic. Last evaluated: 2018-04-13. Review status: criteria provided, single submitter. Criteria: ACMG Guidelines, 2015. Collection method: clinical testing. Allele origin: germline. Affected: yes. Observed: 1 variant allele.

Literature cited by the submitters: PubMed 36436516 (cited by Ambry Genetics and European Reference Network on Genetic Tumour Risk Syndromes (ERN-GENTURIS), i3s - Instituto de Investigação e Inovação em Saúde, University of Porto).